The following is an entry in ClinVar:

ClinVar aggregate classification (germline): Likely benign (1 of 4 stars; one submission).

Conditions:
Tuberous sclerosis 2 (TSC2). Identifiers: Orphanet 805, MedGen C1860707, MONDO:0013199, OMIM 613254.

Submission:

Myriad Genetics, Inc.
Classification: Likely benign for Tuberous sclerosis 2. Last evaluated: 2025-05-22. Review status: criteria provided, single submitter. Criteria: Myriad Autosomal Dominant, Autosomal Recessive and X-Linked Classification Criteria (2023). Collection method: clinical testing. Allele origin: unknown.
Comment: This variant is considered likely benign. This variant is intronic and is not expected to impact mRNA splicing.

NM_000548.5(TSC2):c.2743-16G>T

Gene: TSC2 (TSC complex subunit 2; plus strand). Cytogenetic location: 16p13.3.
Variant type: single nucleotide variant.
Coding change: c.2743-16G>T on transcript NM_000548.5 (MANE Select); 16 bases into the intron before coding-DNA position 2743, G replaced by T.
Molecular consequence: intron variant.
Genome position (GRCh38, 1-based): chr16:2,076,475, G>T. VCF-style: chr16-2076475-G-T. GRCh37 (hg19) VCF-style: chr16-2126476-G-T.
Other names: c.1399-16G>T (NM_001406693.1, NM_001406689.1, NM_001406690.1 and 6 more transcripts); c.2833-16G>T (NM_001406667.1, NM_001406668.1); c.2143-16G>T (NM_001406680.1, NM_001406683.1, NM_001406687.1 and 6 more transcripts); c.1141-16G>T (NM_001406698.1); c.2743-16G>T (NM_001114382.3, NM_001406663.1, NM_001406664.1 and 6 more transcripts); c.2731-16G>T (NM_001406671.1, NM_001406673.1); c.2281-16G>T (NM_001406681.1); c.2632-16G>T (NM_001406670.1, NM_001318827.2, NM_001406678.1); and 3 more.
Identifiers: ClinVar variation 4071183 (VCV004071183.1).